The following is an entry in ClinVar:

ClinVar aggregate classification (germline): Uncertain significance (1 of 4 stars; one submission).

Conditions:
CPAP-related condition.

Allele frequency attached by ClinVar (database versions not stated): TOPMed 0.00002.
gnomAD v4.1: 2 of 1,611,702 alleles (0.00012%); highest among the groups gnomAD compares: African/African-American, 0.0027%; no homozygotes.

Submission:

PreventionGenetics, part of Exact Sciences
Classification: Uncertain significance for CPAP-related condition. Last evaluated: 2026-06-29. Review status: criteria provided, single submitter. Criteria: ACMG Guidelines, 2015. Collection method: clinical testing. Allele origin: germline.
Comment: The CPAP c.*9A>C variant is located in the 3' untranslated region. To our knowledge, this variant has not been reported in the literature. This variant is reported in 0.0062% of alleles in individuals of African descent in gnomAD. At this time, the clinical significance of this variant is uncertain due to the absence of conclusive functional and genetic evidence.

NM_018451.5(CPAP):c.*9A>C

Genes: CPAP (centrosome assembly and centriole elongation protein; minus strand), RNF17 (ring finger protein 17; plus strand). Cytogenetic location: 13q12.12.
Variant type: single nucleotide variant.
Coding change: c.*9A>C on transcript NM_018451.5 (MANE Select); 9 bases downstream of the stop codon, A replaced by C.
Molecular consequence: 3 prime UTR variant. On other transcripts: non-coding transcript variant (2).
Genome position (GRCh38, 1-based): chr13:24,883,168, T>G on the plus strand (A>C on the coding strand, the complement: CPAP is on the minus strand). VCF-style: chr13-24883168-T-G. GRCh37 (hg19) VCF-style: chr13-25457306-T-G.
Identifiers: ClinVar variation 3038030 (VCV003038030.3), dbSNP rs1471747395, ClinGen allele CA608685760.